The following is an entry in ClinVar:

NM_000535.7(PMS2):c.1417G>T (p.Glu473Ter)

Gene: PMS2 (PMS1 homolog 2, mismatch repair system component; minus strand). Cytogenetic location: 7p22.1.
Variant type: single nucleotide variant.
Coding change: c.1417G>T on transcript NM_000535.7 (MANE Select); coding-DNA position 1417, G replaced by T.
Protein change: p.Glu473Ter; replaces glutamic acid 473 with a stop codon.
Molecular consequence: nonsense. On other transcripts: non-coding transcript variant (1), intron variant (1).
Genome position (GRCh38, 1-based): chr7:5,987,348, C>A on the plus strand (G>T on the coding strand, the complement: PMS2 is on the minus strand). VCF-style: chr7-5987348-C-A. GRCh37 (hg19) VCF-style: chr7-6026979-C-A.
Other names: c.1012G>T, p.Glu338Ter (NM_001018040.1, NM_001322003.2, NM_001322004.2 and 17 more transcripts); c.1261G>T, p.Glu421Ter (NM_001322006.2, NM_001406870.1); c.1099G>T, p.Glu367Ter (NM_001322007.2, NM_001322008.2, NM_001406876.1 and 2 more transcripts); c.856G>T, p.Glu286Ter (NM_001322010.2, NM_001406906.1, NM_001406907.1); c.484G>T, p.Glu162Ter (NM_001322011.2, NM_001322012.2); c.844G>T, p.Glu282Ter (NM_001322013.2, NM_001406909.1); c.1417G>T, p.Glu473Ter (NM_001322014.2, NM_001406871.1, NM_001406872.1); c.1108G>T, p.Glu370Ter (NM_001322015.2, NM_001406875.1, NM_001406877.1 and 5 more transcripts); and 13 more; short protein forms E162*, E216*, E282*, E286*, E302*, E315*, E318*, E338*.
Identifiers: ClinVar variation 2674236 (VCV002674236.1), dbSNP rs786203427, ClinGen allele CA366742056.
Genomic context (GRCh38, chr7:5,987,348, plus strand): 5'-CCTTCTCCACCTCCGCTCTGTCCGTAGGGTCACTGGGTCCGTGACTGGAACTCACTGCCT[C>A]TTTCTGAGGTCTCAGGACGCCTTTGTCAGAGATGGCACCTGAAGTGCTAGAAGACAGCAT-3'

ClinVar aggregate classification (germline): Pathogenic (1 of 4 stars; one submission).

Conditions:
Lynch syndrome 4 (LYNCH4). Also called: Hereditary non-polyposis colorectal cancer, type 4; Colorectal cancer, hereditary nonpolyposis, type 4. Identifiers: Orphanet 144, MedGen C1838333, MONDO:0013699, OMIM 614337. Disease mechanism: loss of function.

Submission:

Myriad Genetics, Inc.
Classification: Pathogenic for Lynch syndrome 4. Last evaluated: 2023-09-20. Review status: criteria provided, single submitter. Criteria: Myriad Autosomal Dominant, Autosomal Recessive and X-Linked Classification Criteria (2023). Collection method: clinical testing. Allele origin: unknown.
Comment: This variant is considered pathogenic. This variant creates a termination codon and is predicted to result in premature protein truncation.